The following is an entry in ClinVar:

ClinVar aggregate classification (germline): Uncertain significance (1 of 4 stars; one submission).

Allele frequency attached by ClinVar (database versions not stated): TOPMed below 0.00001.

Submission:

Labcorp Genetics (formerly Invitae), Labcorp
Classification: Uncertain significance. Last evaluated: 2021-05-06. Review status: criteria provided, single submitter. Criteria: Invitae Variant Classification Sherloc (09022015). Collection method: clinical testing. Allele origin: germline.
Comment: In summary, the available evidence is currently insufficient to determine the role of this variant in disease. Therefore, it has been classified as a Variant of Uncertain Significance. This variant has not been reported in the literature in individuals with COL18A1-related conditions. This variant is not present in population databases (ExAC no frequency). This sequence change replaces proline with threonine at codon 992 of the COL18A1 protein (p.Pro992Thr). There is a small physicochemical difference between proline and threonine.

NM_001379500.1(COL18A1):c.2983C>A (p.Pro995Thr)

Genes: COL18A1 (collagen type XVIII alpha 1 chain; plus strand), SLC19A1 (solute carrier family 19 member 1; minus strand). Cytogenetic location: 21q22.3.
Variant type: single nucleotide variant.
Coding change: c.2983C>A on transcript NM_001379500.1 (MANE Select); coding-DNA position 2983, C replaced by A.
Protein change: p.Pro995Thr; replaces proline 995 with threonine.
Molecular consequence: missense variant.
Genome position (GRCh38, 1-based): chr21:45,505,248, C>A. VCF-style: chr21-45505248-C-A. GRCh37 (hg19) VCF-style: chr21-46925162-C-A.
Other names: c.3514C>A, p.Pro1172Thr (NM_030582.4); c.4219C>A, p.Pro1407Thr (NM_130444.3); short protein forms P1407T, P995T, P1172T.
Identifiers: ClinVar variation 1351786 (VCV001351786.6), dbSNP rs1386207254, ClinGen allele CA410499590.